The following is an entry in ClinVar:

NM_001005361.3(DNM2):c.162G>A (p.Arg54=)

Gene: DNM2 (dynamin 2; plus strand). Cytogenetic location: 19p13.2.
Variant type: single nucleotide variant.
Coding change: c.162G>A on transcript NM_001005361.3 (MANE Select); coding-DNA position 162, G replaced by A.
Protein change: p.Arg54=; no amino-acid change (arginine 54 retained).
Molecular consequence: synonymous variant.
Genome position (GRCh38, 1-based): chr19:10,759,738, G>A. VCF-style: chr19-10759738-G-A. GRCh37 (hg19) VCF-style: chr19-10870414-G-A.
Other names: c.162G>A, p.Arg54= (NM_001005360.3, NM_001005362.3, NM_001190716.2 and 1 more transcripts).
Identifiers: ClinVar variation 1941603 (VCV001941603.5), dbSNP rs762111033, ClinGen allele CA505490429.

ClinVar aggregate classification (germline): Uncertain significance (1 of 4 stars; one submission).

Conditions:
Charcot-Marie-Tooth disease dominant intermediate B (CMTDIB). Also called: CHARCOT-MARIE-TOOTH NEUROPATHY, DOMINANT INTERMEDIATE B; Charcot-Marie-Tooth disease dominant intermediate 1; CMT DI1; Charcot-Marie-Tooth disease dominant intermediate I. Identifiers: Orphanet 100044, Orphanet 228179, MedGen C1847902, MONDO:0011674, OMIM 606482.

Allele frequency attached by ClinVar (database versions not stated): TOPMed below 0.00001.
gnomAD v4.1: 2 of 1,614,072 alleles (0.00012%); highest among the groups gnomAD compares: Non-Finnish European, 0.00017%; no homozygotes.

Submission:

Labcorp Genetics (formerly Invitae), Labcorp
Classification: Uncertain significance for Charcot-Marie-Tooth disease dominant intermediate B. Last evaluated: 2022-07-23. Review status: criteria provided, single submitter. Criteria: Invitae Variant Classification Sherloc (09022015). Collection method: clinical testing. Allele origin: germline.
Comment: In summary, the available evidence is currently insufficient to determine the role of this variant in disease. Therefore, it has been classified as a Variant of Uncertain Significance. Algorithms developed to predict the effect of sequence changes on RNA splicing suggest that this variant is not likely to affect RNA splicing. This variant has not been reported in the literature in individuals affected with DNM2-related conditions. This variant is not present in population databases (gnomAD no frequency). This sequence change affects codon 54 of the DNM2 mRNA. It is a 'silent' change, meaning that it does not change the encoded amino acid sequence of the DNM2 protein. It affects a nucleotide within the consensus splice site.